The following is an entry in ClinVar:

NM_000136.3(FANCC):c.1025C>T (p.Pro342Leu)

Genes: AOPEP (aminopeptidase O (putative); plus strand), FANCC (FA complementation group C; minus strand). Cytogenetic location: 9q22.32.
Variant type: single nucleotide variant.
Coding change: c.1025C>T on transcript NM_000136.3 (MANE Select); coding-DNA position 1025, C replaced by T.
Protein change: p.Pro342Leu; replaces proline 342 with leucine.
Molecular consequence: missense variant.
Genome position (GRCh38, 1-based): chr9:95,117,362, G>A on the plus strand (C>T on the coding strand, the complement: FANCC is on the minus strand). VCF-style: chr9-95117362-G-A. GRCh37 (hg19) VCF-style: chr9-97879644-G-A.
Other names: c.1025C>T, p.Pro342Leu (NM_001243743.2, NM_001243744.2); short protein forms P342L.
Identifiers: ClinVar variation 1769318 (VCV001769318.2), dbSNP rs2134693364, ClinGen allele CA374108184.
Genomic context (GRCh38, chr9:95,117,362, plus strand): 5'-AACCCTAACTCACCTTGAGGGTCTTGCAGCAGCACCATGGCAAGAGATGGAGAAGTGTAA[G>A]GAAAGTAGGTCTTGAGTGCAAACCGCAGCTGCCACAGGATGGAAAATCCAAAGAGCATGA-3'
Protein context (NP_000127.2, residues 332-352): QLRFALKTYF[Pro342Leu]YTSPSLAMVL

ClinVar aggregate classification (germline): Uncertain significance (1 of 4 stars; one submission).

Conditions:
Hereditary cancer-predisposing syndrome. Also called: Hereditary Cancer Syndrome; Hereditary neoplastic syndrome; Neoplastic Syndromes, Hereditary; Tumor predisposition. Identifiers: Orphanet 140162, MedGen C0027672, MeSH D009386, MONDO:0015356.

Allele frequency attached by ClinVar (database versions not stated): gnomAD exomes below 0.00001.
gnomAD v4.1: 1 of 1,614,060 alleles (0.000062%); highest among the groups gnomAD compares: Non-Finnish European, 0.000085%; no homozygotes.

Submission:

Ambry Genetics
Classification: Uncertain significance for Hereditary cancer-predisposing syndrome. Last evaluated: 2021-11-10. Review status: criteria provided, single submitter. Criteria: Ambry Variant Classification Scheme 2023. Collection method: clinical testing. Allele origin: germline.
Comment: The p.P342L variant (also known as c.1025C>T), located in coding exon 10 of the FANCC gene, results from a C to T substitution at nucleotide position 1025. The proline at codon 342 is replaced by leucine, an amino acid with similar properties. This amino acid position is conserved. In addition, this alteration is predicted to be deleterious by in silico analysis. Since supporting evidence is limited at this time, the clinical significance of this alteration remains unclear.